The following is an entry in ClinVar:

NC_000005.9:g.(?_112151175)_(112151300_?)del

Gene: APC (APC regulator of Wnt signaling pathway; plus strand). Cytogenetic location: 5q22.2.
Variant type: Deletion.
Identifiers: ClinVar variation 3246376 (VCV003246376.1).

ClinVar aggregate classification (germline): Uncertain significance (1 of 4 stars; one submission).

Conditions:
Familial adenomatous polyposis 1 (FAP1). Also called: POLYPOSIS, ADENOMATOUS INTESTINAL; FAMILIAL ADENOMATOUS POLYPOSIS 1, ATTENUATED. Identifiers: MedGen C2713442, MONDO:0021056, OMIM 175100. Disease mechanism: loss of function.

Submission:

Labcorp Genetics (formerly Invitae), Labcorp
Classification: Uncertain significance for Familial adenomatous polyposis 1. Last evaluated: 2023-03-22. Review status: criteria provided, single submitter. Criteria: Invitae Variant Classification Sherloc (09022015). Collection method: clinical testing. Allele origin: unknown.
Comment: In summary, the available evidence is currently insufficient to determine the role of this variant in disease. Therefore, it has been classified as a Variant of Uncertain Significance. Experimental studies and prediction algorithms are not available or were not evaluated, and the functional significance of this variant is currently unknown. This variant has not been reported in the literature in individuals affected with APC-related conditions. This variant is a gross deletion of the genomic region encompassing exon(s) 9 of the APC gene. This variant would be expected to be in-frame, preserving the integrity of the reading frame.